The following is an entry in ClinVar:

NM_014297.5(ETHE1):c.-45G>A

Genes: ETHE1 (ETHE1 persulfide dioxygenase; minus strand), LOC130064595 (ATAC-STARR-seq lymphoblastoid silent region 10721; plus strand). Cytogenetic location: 19q13.31.
Variant type: single nucleotide variant.
Coding change: c.-45G>A on transcript NM_014297.5 (MANE Select); 45 bases upstream of the start codon, G replaced by A.
Genome position (GRCh38, 1-based): chr19:43,527,222, C>T on the plus strand (G>A on the coding strand, the complement: ETHE1 is on the minus strand). VCF-style: chr19-43527222-C-T. GRCh37 (hg19) VCF-style: chr19-44031374-C-T.
Identifiers: ClinVar variation 137239 (VCV000137239.30), dbSNP rs144136377, ClinGen allele CA290779.
Genomic context (GRCh38, chr19:43,527,222, plus strand): 5'-GTACAGCCTCCGCCATCGCGCCCACTGCGGGGTCAGGAATGAGCGGAGGCCGAGCGCCTG[C>T]AGGAGCCGGGCGCTACGGCACTGACCCCGGGAAGGGCGGGGCGGGGGCGGAGCACGCCTT-3'

ClinVar aggregate classification (germline): Benign. Review status: criteria provided, multiple submitters, no conflicts (2 of 4 stars). 3 submissions from 3 submitters: Benign (2). 1 of the submissions does not count toward it. Last evaluated 2023-01-01.

Conditions:
Ethylmalonic encephalopathy (EE). Also called: Syndrome of encephalopathy, petechiae, and ethylmalonic aciduria; EPEMA syndrome; Encephalopathy, petechiae, and ethylmalonic aciduria. Identifiers: Orphanet 51188, MedGen C1865349, MONDO:0011229, OMIM 602473. Disease mechanism: loss of function.

Allele frequency attached by ClinVar (database versions not stated): 1000 Genomes Project 30x 0.00312; 1000 Genomes Project 0.00379; ESP Exome Variant Server 0.00457; TOPMed 0.00586; gnomAD 0.00621 and 0.00642; gnomAD exomes 0.00813; ExAC 0.01158.

Submissions (3):

CeGaT Center for Human Genetics Tuebingen
Classification: Benign. Last evaluated: 2023-01-01. Review status: criteria provided, single submitter. Criteria: CeGaT Center For Human Genetics Tuebingen Variant Classification Criteria Version 2. Collection method: clinical testing. Allele origin: germline. Affected: yes. Observed: 4 variant alleles.
Comment: ETHE1: BS1, BS2

GeneDx
Classification: Benign. Last evaluated: 2014-03-22. Review status: criteria provided, single submitter. Criteria: GeneDx Variant Classification (06012015). Collection method: clinical testing. Allele origin: germline. Affected: yes.
Comment: This variant is considered likely benign or benign based on one or more of the following criteria: it is a conservative change, it occurs at a poorly conserved position in the protein, it is predicted to be benign by multiple in silico algorithms, and/or has population frequency not consistent with disease.

Natera, Inc.
Classification: Benign for Ethylmalonic encephalopathy. Last evaluated: 2020-09-16. Review status: no assertion criteria provided. Collection method: clinical testing. Allele origin: germline. Not counted in ClinVar's aggregate classification.